The following is an entry in ClinVar:

NM_015192.4(PLCB1):c.1324G>A (p.Glu442Lys)

Gene: PLCB1 (phospholipase C beta 1; plus strand). Cytogenetic location: 20p12.3.
Variant type: single nucleotide variant.
Coding change: c.1324G>A on transcript NM_015192.4 (MANE Select); coding-DNA position 1324, G replaced by A.
Protein change: p.Glu442Lys; replaces glutamic acid 442 with lysine.
Molecular consequence: missense variant.
Genome position (GRCh38, 1-based): chr20:8,716,337, G>A. VCF-style: chr20-8716337-G-A. GRCh37 (hg19) VCF-style: chr20-8696984-G-A.
Other names: c.1324G>A, p.Glu442Lys (NM_182734.3); short protein forms E442K.
Identifiers: ClinVar variation 934961 (VCV000934961.10), dbSNP rs1356153164, ClinGen allele CA408200345.
Genomic context (GRCh38, chr20:8,716,337, plus strand): 5'-GCCAAGATGGCGGAGTACTGCCGACTGATCTTTGGGGATGCCCTTCTCATGGAGCCCCTG[G>A]AAAAATATCCAGTAAGCAGTTCTGATGTTTGTCCTTGAAGGAATGTATGCATTATTGATG-3'
Protein context (NP_056007.1, residues 432-452): FGDALLMEPL[Glu442Lys]KYPLESGVPL

ClinVar aggregate classification (germline): Uncertain significance (1 of 4 stars; one submission).

Conditions:
Developmental and epileptic encephalopathy, 12 (DEE12). Identifiers: MedGen C3150988, MONDO:0013389, OMIM 613722.

Allele frequency attached by ClinVar (database versions not stated): gnomAD exomes below 0.00001; TOPMed 0.00002.
gnomAD v4.1: 2 of 1,612,832 alleles (0.00012%); highest among the groups gnomAD compares: Non-Finnish European, 0.00017%; no homozygotes.

Submission:

Labcorp Genetics (formerly Invitae), Labcorp
Classification: Uncertain significance for Developmental and epileptic encephalopathy, 12. Last evaluated: 2023-07-07. Review status: criteria provided, single submitter. Criteria: Invitae Variant Classification Sherloc (09022015). Collection method: clinical testing. Allele origin: germline.
Comment: ClinVar contains an entry for this variant (Variation ID: 934961). In summary, the available evidence is currently insufficient to determine the role of this variant in disease. Therefore, it has been classified as a Variant of Uncertain Significance. Advanced modeling of protein sequence and biophysical properties (such as structural, functional, and spatial information, amino acid conservation, physicochemical variation, residue mobility, and thermodynamic stability) performed at Invitae indicates that this missense variant is not expected to disrupt PLCB1 protein function. This variant has not been reported in the literature in individuals affected with PLCB1-related conditions. This variant is not present in population databases (gnomAD no frequency). This sequence change replaces glutamic acid, which is acidic and polar, with lysine, which is basic and polar, at codon 442 of the PLCB1 protein (p.Glu442Lys).